The following is an entry in ClinVar:

ClinVar aggregate classification (germline): Uncertain significance (1 of 4 stars; one submission).

Conditions:
Glutaric aciduria, type 1. Also called: Glutaricacidemia Type 1; Glutaricaciduria, type I; Glutaryl-CoA dehydrogenase deficiency; Glutaric Acidemia Type 1; GA I; Glutaric acidemia type I. Identifiers: Orphanet 25, MedGen C0268595, MONDO:0009281, OMIM 231670.

Submission:

Labcorp Genetics (formerly Invitae), Labcorp
Classification: Uncertain significance for Glutaric aciduria, type 1. Last evaluated: 2025-07-09. Review status: criteria provided, single submitter. Criteria: Invitae Variant Classification Sherloc (09022015). Collection method: clinical testing. Allele origin: germline.
Comment: This sequence change replaces alanine, which is neutral and non-polar, with serine, which is neutral and polar, at codon 280 of the GCDH protein (p.Ala280Ser). This variant is not present in population databases (gnomAD no frequency). This variant has not been reported in the literature in individuals affected with GCDH-related conditions. Invitae Evidence Modeling of protein sequence and biophysical properties (such as structural, functional, and spatial information, amino acid conservation, physicochemical variation, residue mobility, and thermodynamic stability) indicates that this missense variant is not expected to disrupt GCDH protein function with a negative predictive value of 80%. In summary, the available evidence is currently insufficient to determine the role of this variant in disease. Therefore, it has been classified as a Variant of Uncertain Significance.

NM_000159.4(GCDH):c.838G>T (p.Ala280Ser)

Gene: GCDH (glutaryl-CoA dehydrogenase; plus strand). Cytogenetic location: 19p13.13.
Variant type: single nucleotide variant.
Coding change: c.838G>T on transcript NM_000159.4 (MANE Select); coding-DNA position 838, G replaced by T.
Protein change: p.Ala280Ser; replaces alanine 280 with serine.
Molecular consequence: missense variant. On other transcripts: non-coding transcript variant (2).
Genome position (GRCh38, 1-based): chr19:12,896,407, G>T. VCF-style: chr19-12896407-G-T. GRCh37 (hg19) VCF-style: chr19-13007221-G-T.
Other names: c.838G>T, p.Ala280Ser (NM_013976.5); short protein forms A280S.
Identifiers: ClinVar variation 4721710 (VCV004721710.1).